The following is an entry in ClinVar:

ClinVar aggregate classification (germline): Uncertain significance (1 of 4 stars; one submission).

Submission:

Labcorp Genetics (formerly Invitae), Labcorp
Classification: Uncertain significance. Last evaluated: 2025-02-10. Review status: criteria provided, single submitter. Criteria: Invitae Variant Classification Sherloc (09022015). Collection method: clinical testing. Allele origin: germline.
Comment: This sequence change replaces aspartic acid, which is acidic and polar, with phenylalanine, which is neutral and non-polar, at codon 3134 of the CDH23 protein (p.Asp3134Phe). Information on the frequency of this variant in the gnomAD database is not available, as this variant may be reported differently in the database. This missense change has been observed in individual(s) with deafness (internal data). Experimental studies and prediction algorithms are not available or were not evaluated, and the functional significance of this variant is currently unknown. In summary, the available evidence is currently insufficient to determine the role of this variant in disease. Therefore, it has been classified as a Variant of Uncertain Significance.

NM_022124.6(CDH23):c.9399_9401delinsCTT (p.Asp3134Phe)

Gene: CDH23 (cadherin related 23; plus strand). Cytogenetic location: 10q22.1.
Variant type: Indel.
Coding change: c.9399_9401delinsCTT on transcript NM_022124.6 (MANE Select); coding-DNA positions 9399 to 9401, GGA replaced by CTT.
Protein change: p.Asp3134Phe; replaces aspartic acid 3134 with phenylalanine.
Molecular consequence: missense variant.
Genome position (GRCh38, 1-based): chr10:71,812,498-71,812,500, GGA replaced by CTT. VCF-style: chr10-71812498-GGA-CTT. GRCh37 (hg19) VCF-style: chr10-73572255-GGA-CTT.
Other names: c.2679_2681delinsCTT, p.Asp894Phe (NM_001171933.1, NM_001171934.1); c.90_92delinsCTT, p.Asp31Phe (NM_001171935.1, NM_001171936.1); short protein forms D894F, D3134F, D31F.
Identifiers: ClinVar variation 4712203 (VCV004712203.1).
Genomic context (GRCh38, chr10:71,812,498, plus strand): 5'-AGCCTTCCCTCCCTCCCCACCCTTTTCCCTCCCCAACTGCAGAGCCAACCCTGTGTGGCT[GGA>CTT]TCCCTTCTGTCGGAACCTGGAGCTGGCCGCCCAGGCGGAGCATGAGGATGACCTACCGGA-3'
Protein context (NP_071407.4, residues 3124-3144): SFDGANPVWL[Asp3134Phe]PFCRNLELAA